The following is an entry in ClinVar:

NM_014714.4(IFT140):c.2577G>T (p.Leu859=)

Gene: IFT140 (intraflagellar transport 140; minus strand). Cytogenetic location: 16p13.3.
Variant type: single nucleotide variant.
Coding change: c.2577G>T on transcript NM_014714.4 (MANE Select); coding-DNA position 2577, G replaced by T.
Protein change: p.Leu859=; no amino-acid change (leucine 859 retained).
Molecular consequence: synonymous variant.
Genome position (GRCh38, 1-based): chr16:1,526,619, C>A on the plus strand (G>T on the coding strand, the complement: IFT140 is on the minus strand). VCF-style: chr16-1526619-C-A. GRCh37 (hg19) VCF-style: chr16-1576620-C-A.
Identifiers: ClinVar variation 4978292 (VCV004978292.1).

ClinVar aggregate classification (germline): Uncertain significance (1 of 4 stars; one submission).

Conditions:
IFT140-related disorder. Also called: IFT140-related condition.

gnomAD v4.1: 1 of 1,545,006 alleles (0.000065%); highest among the groups gnomAD compares: Non-Finnish European, 0.000087%; no homozygotes.

Submission:

PreventionGenetics, part of Exact Sciences
Classification: Uncertain significance for IFT140-related condition. Last evaluated: 2025-01-09. Review status: criteria provided, single submitter. Criteria: ACMG Guidelines, 2015. Collection method: clinical testing. Allele origin: germline.
Comment: The IFT140 c.2577G>T variant is not predicted to result in an amino acid change (p.=). This nucleotide change is located at the last base of exon 20 and is predicted to significantly weaken the nearby normal splice donor site signal (Alamut Visual Plus v1.6.1; SpliceAI, Jaganathan et al. 2019. PubMed ID: 30661751). However, the use of computer prediction programs is not equivalent to functional evidence. To our knowledge, this variant has not been reported in the literature or in a large population database (gnomAD), indicating this variant is rare. Although we suspect that this variant may be pathogenic, at this time, the clinical significance of this variant is uncertain due to the absence of conclusive functional and genetic evidence.